The following is an entry in ClinVar:

ClinVar aggregate classification (germline): Uncertain significance. Review status: criteria provided, multiple submitters, no conflicts (2 of 4 stars). 3 submissions from 3 submitters: Uncertain significance (3). Last evaluated 2024-07-19.

Conditions:
Inborn genetic diseases. Identifiers: MedGen C0950123, MeSH D030342.

Allele frequency attached by ClinVar (database versions not stated): gnomAD exomes 0.00001; ExAC 0.00003; ESP Exome Variant Server 0.00008; gnomAD 0.00008; TOPMed 0.00009.
gnomAD v4.1: 22 of 1,614,032 alleles (0.0014%); highest among the groups gnomAD compares: African/African-American, 0.028%; no homozygotes.

Submissions (3):

Blueprint Genetics
Classification: Uncertain significance. Last evaluated: 2024-07-19. Review status: criteria provided, single submitter. Criteria: ACMG Guidelines, 2015. Collection method: clinical testing. Allele origin: germline.

Ambry Genetics
Classification: Uncertain significance for Inborn genetic diseases. Last evaluated: 2023-08-02. Review status: criteria provided, single submitter. Criteria: Ambry Variant Classification Scheme 2023. Collection method: clinical testing. Allele origin: germline.

Labcorp Genetics (formerly Invitae), Labcorp
Classification: Uncertain significance. Last evaluated: 2022-06-02. Review status: criteria provided, single submitter. Criteria: Invitae Variant Classification Sherloc (09022015). Collection method: clinical testing. Allele origin: germline.
Comment: This sequence change replaces isoleucine, which is neutral and non-polar, with valine, which is neutral and non-polar, at codon 369 of the POLR3A protein (p.Ile369Val). This variant is present in population databases (rs373183652, gnomAD 0.03%). This variant has not been reported in the literature in individuals affected with POLR3A-related conditions. Algorithms developed to predict the effect of missense changes on protein structure and function are either unavailable or do not agree on the potential impact of this missense change (SIFT: "Deleterious"; PolyPhen-2: "Possibly Damaging"; Align-GVGD: "Class C0"). In summary, the available evidence is currently insufficient to determine the role of this variant in disease. Therefore, it has been classified as a Variant of Uncertain Significance.

NM_007055.4(POLR3A):c.1105A>G (p.Ile369Val)

Gene: POLR3A (RNA polymerase III subunit A; minus strand). Cytogenetic location: 10q22.3.
Variant type: single nucleotide variant.
Coding change: c.1105A>G on transcript NM_007055.4 (MANE Select); coding-DNA position 1105, A replaced by G.
Protein change: p.Ile369Val; replaces isoleucine 369 with valine.
Molecular consequence: missense variant.
Genome position (GRCh38, 1-based): chr10:78,021,626, T>C on the plus strand (A>G on the coding strand, the complement: POLR3A is on the minus strand). VCF-style: chr10-78021626-T-C. GRCh37 (hg19) VCF-style: chr10-79781384-T-C.
Other names: c.1105A>G (NM_007055.3); short protein forms I369V.
Identifiers: ClinVar variation 1969483 (VCV001969483.5), dbSNP rs373183652, ClinGen allele CA5571541.
Genomic context (GRCh38, chr10:78,021,626, plus strand): 5'-TTTTGGCCACATGAACTGGCACAGCTACCTCATCAATCCGGAGGTTGGGGTCGGGCGAGA[T>C]GACTGTTCTGCCAGAAAAATCCACTCTCTTTCCTGAGAGATTTCCTCTAAATCGACCTAA-3'
Protein context (NP_008986.2, residues 359-379): KRVDFSGRTV[Ile369Val]SPDPNLRIDE